The following is an entry in ClinVar:

NM_001830.4(CLCN4):c.592T>C (p.Tyr198His)

Gene: CLCN4 (Cl-/H+ antiporter 4; plus strand). Cytogenetic location: Xp22.2.
Variant type: single nucleotide variant.
Coding change: c.592T>C on transcript NM_001830.4 (MANE Select); coding-DNA position 592, T replaced by C.
Protein change: p.Tyr198His; replaces tyrosine 198 with histidine.
Molecular consequence: missense variant.
Genome position (GRCh38, 1-based): chrX:10,206,394, T>C. VCF-style: chrX-10206394-T-C. GRCh37 (hg19) VCF-style: chrX-10174434-T-C.
Other names: c.310T>C, p.Tyr104His (NM_001256944.2); short protein forms Y104H, Y198H.
Identifiers: ClinVar variation 4538459 (VCV004538459.1).

ClinVar aggregate classification (germline): Likely pathogenic (1 of 4 stars; one submission).

Conditions:
Intellectual disability, X-linked 49 (MRXSRC). Also called: MRX49; CLCN4-Related Neurodevelopmental Disorder; CLCN4-related X-linked intellectual disability syndrome; RAYNAUD-CLAES SYNDROME; MENTAL RETARDATION, X-LINKED 15. Identifiers: Orphanet 485350, Orphanet 777, MedGen C0796221, MONDO:0010250, OMIM 300114.

Submission:

Medical Genetics and Prenatal Diagnosis Center, Guangxi Academy of Medical Sciences and the People’s Hospital of Guangxi Zhuang Autonomous Region
Classification: Likely pathogenic for Intellectual disability, X-linked 49. Last evaluated: 2025-10-01. Review status: criteria provided, single submitter. Criteria: ACMG Guidelines, 2015. Collection method: clinical testing. Allele origin: de novo. Affected: yes.
Comment: NM_001830.4(CLCN4):c.592T>C is a missense mutation predicted to affect gene function. This variant is a de novo mutation validated by family analysis (PS2_Moderate); REVEL prediction (REVEL=0.968) indicates it has a moderate adverse effect on the gene or its product (PP3_Moderate). This gene's missense variants are a common mechanism for disease phenotypes, with a low proportion of benign missense variants (PP2). The variant is present in the reference population (1000 Genomes Project). (PP3_Moderate); missense variants in this gene are a common mechanism for related disease phenotypes, and the proportion of benign missense variants is low (PP2); this variant is not found in the 1000 Genomes Project (1000G), the Chinese Genome Database, the Human Exome Database (ExAC), and the population-based mutation frequency database (gnomAD) (PM2_Supporting). In summary, according to the ACMG Guidelines, 2015 (PMID: 25741868), the above evidence supports this variant as a likely pathogenic variant for Raynaud-Claes syndrome, classified as PS2_Moderate, PP3_Moderate, PP2, and PM2_Supporting.